The following is an entry in ClinVar:

ClinVar aggregate classification (germline): Conflicting classifications of pathogenicity. Review status: criteria provided, conflicting classifications (1 of 4 stars). 2 submissions from 2 submitters: Uncertain significance (1); Likely benign (1). Last evaluated 2022-01-14.

Conditions:
Diamond-Blackfan anemia. Also called: Blackfan Diamond syndrome; Aregenerative anemia chronic congenital; Red cell aplasia, pure hereditary; Congenital hypoplastic anemia; Aase syndrome. Identifiers: Orphanet 124, MedGen C1260899, MeSH D029503, MONDO:0015253, HP:0004810.
Diamond-Blackfan anemia 10 (DBA10). Also called: RPS26-Related Diamond-Blackfan Anemia. Identifiers: Orphanet 124, MedGen C2750080, MONDO:0013217, OMIM 613309.

Submissions (2):

Labcorp Genetics (formerly Invitae), Labcorp
Classification: Likely benign for Diamond-Blackfan anemia 10. Last evaluated: 2022-01-14. Review status: criteria provided, single submitter. Criteria: Invitae Variant Classification Sherloc (09022015). Collection method: clinical testing. Allele origin: germline.

Ambry Genetics
Classification: Uncertain significance for Diamond-Blackfan anemia. Last evaluated: 2015-09-02. Review status: criteria provided, single submitter. Criteria: Ambry Variant Classification Scheme 2023. Collection method: clinical testing. Allele origin: germline.
Comment: The c.4-4G>T intronic variant results from a G to T substitution 4 nucleotides upstream from coding exon 2 in the RPS26 gene. This variant was not reported in population based cohorts in the following databases: Database of Single Nucleotide Polymorphisms (dbSNP), NHLBI Exome Sequencing Project (ESP), and 1000 Genomes Project. In the ESP, this variant was not observed in 6503 samples (13006 alleles) with coverage at this position. This nucleotide position is poorly conserved in available vertebrate species. Using the BDGP and ESEfinder splice site prediction tools, this alteration is not predicted to have any significant effect on this splice acceptor site; however, direct evidence is unavailable. Since supporting evidence is limited at this time, the clinical significance of this variant remains unclear.

NM_001029.5(RPS26):c.4-4G>T

Gene: RPS26 (ribosomal protein S26; plus strand). Cytogenetic location: 12q13.2.
Variant type: single nucleotide variant.
Coding change: c.4-4G>T on transcript NM_001029.5 (MANE Select); 4 bases into the intron before coding-DNA position 4, G replaced by T.
Molecular consequence: intron variant.
Genome position (GRCh38, 1-based): chr12:56,042,421, G>T. VCF-style: chr12-56042421-G-T. GRCh37 (hg19) VCF-style: chr12-56436205-G-T.
Identifiers: ClinVar variation 1664629 (VCV001664629.10), dbSNP rs2136753773, ClinGen allele CA2573148813.